The following is an entry in ClinVar:

ClinVar aggregate classification (germline): Pathogenic/Likely pathogenic. Review status: criteria provided, multiple submitters, no conflicts (2 of 4 stars). 9 submissions from 9 submitters: Pathogenic (4); Likely pathogenic (4). 1 of the submissions does not count toward it. Last evaluated 2026-09-08.

Conditions:
Fabry disease, cardiac variant. Identifiers: MedGen C1970820.
Fabry disease. Also called: Ceramide trihexosidosis; Fabry's disease; CERAMIDE TRIHEXOSIDASE DEFICIENCY; GLA DEFICIENCY; HEREDITARY DYSTOPIC LIPIDOSIS; ALPHA-GALACTOSIDASE A DEFICIENCY. Identifiers: Orphanet 324, MedGen C0002986, MONDO:0010526, OMIM 301500, HP:0001071. Disease mechanism: Fabry disease is due to inactivating mutations in the X-linked GLA gene resulting in deficiency of the enzyme Alpha Galactosidase-A., loss of function.

Submissions (9):

Genomenon, Inc
Classification: Likely pathogenic for Fabry disease. Last evaluated: 2026-09-08. Review status: criteria provided, single submitter. Criteria: Genomenon Sequence Variant Interpretation Standards - Updated. Collection method: curation. Allele origin: germline. Affected: yes.
Comment: GLA p.Met296Val (c.886A>G) is a missense variant that changes the amino acid at codon 296 from Methionine to Valine. This variant has been observed in at least one proband with clinical features consistent with Fabry disease (PMID:32198894;1846223;26833297;29204651;39609713;37626912). Functional or patient cell studies have been reported (PMID:24386359;21598360;17555407;37626912;19387866;27657681;39609713). The presence of pathogenic/likely pathogenic missense variant(s) at the same amino acid position indicates that this residue is likely important for protein function. It is absent or not present at a significant frequency in gnomAD. In silico models predict that this variant is possibly or probably damaging. In conclusion, we classify GLA p.Met296Val (c.886A>G) as a likely pathogenic variant.

GeneDx
Classification: Pathogenic. Last evaluated: 2023-11-13. Review status: criteria provided, single submitter. Criteria: GeneDx Variant Classification Process June 2021. Collection method: clinical testing. Allele origin: germline. Affected: yes.
Comment: Published functional studies demonstrate reduced alpha-galactosidase activity (PMID: 17555407, 21598360); In silico analysis supports that this missense variant has a deleterious effect on protein structure/function; Not observed at significant frequency in large population cohorts (gnomAD); This variant is associated with the following publications: (PMID: 21598360, 1846223, 24386359, 25382311, 17555407, 29204651, 26833297, 27535533, 20031620, 20108436, 28615118, 27560961)

Revvity Omics, Revvity
Classification: Pathogenic. Last evaluated: 2022-11-17. Review status: criteria provided, single submitter. Criteria: ACMG Guidelines, 2015. Collection method: clinical testing. Allele origin: germline.

Color Diagnostics, LLC DBA Color Health
Classification: Likely pathogenic for Fabry disease. Last evaluated: 2022-08-31. Review status: criteria provided, single submitter. Criteria: ACMG Guidelines, 2015. Collection method: clinical testing. Allele origin: germline.
Comment: This missense variant replaces methionine with valine at codon 296 of the GLA protein. Computational prediction suggests that this variant may have deleterious impact on protein structure and function (internally defined REVEL score threshold >= 0.7, PMID: 27666373). An experimental study has shown that this variant leads to 11-12% residual GLA enzyme activity when expressed in COS-7 cells (PMID: 17555407). Residual GLA enzyme activity was detectable in cells from this patient. This variant has been reported in individuals affected with Fabry disease with symptoms confined to the kidney (PMID: 29204651, 30890379, 31798221; doi:10.1016/j.ymgme.2016.11.104; doi: 10.5812/numonthly.105759). A different missense variant occurring at the same codon, p.Met296Ile (Clinvar variation ID 10763), has been reported in multiple Japanese males affected with mild, late-onset Fabry disease (PMID: 7596372, 30386727), indicating that methionine at this position is important for GLA protein function. This variant has not been identified in the general population by the Genome Aggregation Database (gnomAD). Based on the available evidence, this variant is classified as Likely Pathogenic.

Genome-Nilou Lab
Classification: Likely pathogenic for Fabry disease. Last evaluated: 2021-07-15. Review status: criteria provided, single submitter. Criteria: ACMG Guidelines, 2015. Collection method: clinical testing. Allele origin: germline. Affected: no.

Fulgent Genetics
Classification: Likely pathogenic for Fabry disease. Last evaluated: 2021-07-13. Review status: criteria provided, single submitter. Criteria: ACMG Guidelines, 2015. Collection method: clinical testing. Allele origin: unknown.

Baylor Genetics
Classification: Pathogenic for Fabry disease. Last evaluated: 2020-11-05. Review status: criteria provided, single submitter. Criteria: ACMG Guidelines, 2015. Collection method: clinical testing. Allele origin: unknown. Affected: yes.
Comment: This variant was determined to be pathogenic according to ACMG Guidelines, 2015 [PMID:25741868].

Eurofins Ntd Llc (ga)
Classification: Pathogenic. Last evaluated: 2015-11-23. Review status: criteria provided, single submitter. Criteria: EGL Classification Definitions 2015. Collection method: clinical testing. Allele origin: germline. Observed: 5 variant alleles, 4 heterozygotes, 1 hemizygote.

OMIM
Classification: Pathogenic for FABRY DISEASE, CARDIAC VARIANT. Last evaluated: 1991-02-07. Review status: no assertion criteria provided. Collection method: literature only. Allele origin: germline. Not counted in ClinVar's aggregate classification.

Literature cited by the submitters: PubMed 32198894 (cited by Genomenon, Inc); PubMed 1846223 (cited by 4 submitters); PubMed 26833297 (cited by Genomenon, Inc); PubMed 29204651 (cited by Genomenon, Inc and Color Diagnostics, LLC DBA Color Health); PubMed 39609713 (cited by Genomenon, Inc); PubMed 37626912 (cited by Genomenon, Inc); PubMed 24386359 (cited by Genomenon, Inc); PubMed 21598360 (cited by Genomenon, Inc); PubMed 17555407 (cited by 3 submitters); PubMed 19387866 (cited by Genomenon, Inc); PubMed 27657681 (cited by Genomenon, Inc); PubMed 7596372 (cited by Color Diagnostics, LLC DBA Color Health); PubMed 30386727 (cited by Color Diagnostics, LLC DBA Color Health); PubMed 30890379 (cited by Color Diagnostics, LLC DBA Color Health); PubMed 31798221 (cited by Color Diagnostics, LLC DBA Color Health).

NM_000169.3(GLA):c.886A>G (p.Met296Val)

Genes: GLA (galactosidase alpha; minus strand), RPL36A-HNRNPH2 (RPL36A-HNRNPH2 readthrough; plus strand). Cytogenetic location: Xq22.1.
Variant type: single nucleotide variant.
Coding change: c.886A>G on transcript NM_000169.3 (MANE Select); coding-DNA position 886, A replaced by G.
Protein change: p.Met296Val; replaces methionine 296 with valine.
Molecular consequence: missense variant. On other transcripts: non-coding transcript variant (3), intron variant (2).
Genome position (GRCh38, 1-based): chrX:101,398,483, T>C on the plus strand (A>G on the coding strand, the complement: GLA is on the minus strand). VCF-style: chrX-101398483-T-C. GRCh37 (hg19) VCF-style: chrX-100653471-T-C.
Other names: c.1009A>G, p.Met337Val (NM_001406747.1); c.886A>G, p.Met296Val (NM_001406748.1); c.300+3026T>C (NM_001199973.2); c.177+6661T>C (NM_001199974.2); short protein forms M296V, M337V.
Identifiers: ClinVar variation 10717 (VCV000010717.19), dbSNP rs104894830, ClinGen allele CA022141.
Genomic context (GRCh38, chrX:101,398,483, plus strand): 5'-CGTCCTTATCCTGAAGGAGAGCTTTGGCTTGAGGGCTGATGTGTCGGAGGTCATTAGACA[T>C]GAATAAAGGAGCAGCCATGATAGCCCAGAGGGCCATCTGAGTTACTTGCTGATTCCAGCT-3'
Protein context (NP_000160.1, residues 286-306): LWAIMAAPLF[Met296Val]SNDLRHISPQ